The following is an entry in ClinVar:

ClinVar aggregate classification (germline): Uncertain significance. Review status: criteria provided, multiple submitters, no conflicts (2 of 4 stars). 3 submissions from 3 submitters: Uncertain significance (3). Last evaluated 2025-06-23.

Conditions:
Cardiomyopathy (CMYO). Also called: Cardiomyopathies. Identifiers: Orphanet 167848, MedGen C0878544, MONDO:0004994, HP:0001638. Inheritance: Various modes of inheritance.
Arrhythmogenic right ventricular dysplasia 10. Also called: Arrhythmogenic Right Ventricular Dysplasia/Cardiomyopathy10; Arrhythmogenic right ventricular dysplasia/cardiomyopathy, type 10; ARRHYTHMOGENIC RIGHT VENTRICULAR DYSPLASIA, FAMILIAL, 10. Identifiers: MedGen C1857777, MONDO:0012434, OMIM 610193.
Cardiovascular phenotype. Identifiers: MedGen CN230736.

Allele frequency attached by ClinVar (database versions not stated): gnomAD exomes below 0.00001; ExAC 0.00001; ESP Exome Variant Server 0.00008.

Submissions (3):

Color Diagnostics, LLC DBA Color Health
Classification: Uncertain significance for Cardiomyopathy. Last evaluated: 2025-06-23. Review status: criteria provided, single submitter. Criteria: ACMG Guidelines, 2015. Collection method: clinical testing. Allele origin: germline.
Comment: This missense variant replaces threonine with isoleucine at codon 184 of the DSG2 protein. Computational prediction suggests that this variant may not impact protein structure and function. To our knowledge, functional studies have not been reported for this variant. This variant has not been reported in individuals affected with DSG2-related disorders in the literature. This variant has been identified in 1/249322 chromosomes in the general population by the Genome Aggregation Database (gnomAD). The available evidence is insufficient to determine the role of this variant in disease conclusively. Therefore, this variant is classified as a Variant of Uncertain Significance.

Ambry Genetics
Classification: Uncertain significance for Cardiovascular phenotype. Last evaluated: 2023-11-23. Review status: criteria provided, single submitter. Criteria: Ambry Variant Classification Scheme 2023. Collection method: clinical testing. Allele origin: germline.
Comment: The p.T184I variant (also known as c.551C>T), located in coding exon 6 of the DSG2 gene, results from a C to T substitution at nucleotide position 551. The threonine at codon 184 is replaced by isoleucine, an amino acid with similar properties. This amino acid position is conserved. In addition, this alteration is predicted to be tolerated by in silico analysis. Since supporting evidence is limited at this time, the clinical significance of this alteration remains unclear.

Labcorp Genetics (formerly Invitae), Labcorp
Classification: Uncertain significance for Arrhythmogenic right ventricular dysplasia 10. Last evaluated: 2021-08-28. Review status: criteria provided, single submitter. Criteria: Invitae Variant Classification Sherloc (09022015). Collection method: clinical testing. Allele origin: germline.
Comment: This sequence change replaces threonine with isoleucine at codon 184 of the DSG2 protein (p.Thr184Ile). The threonine residue is highly conserved and there is a moderate physicochemical difference between threonine and isoleucine. This variant is present in population databases (rs372605499, ExAC 0.002%). This variant has not been reported in the literature in individuals affected with DSG2-related conditions. Algorithms developed to predict the effect of missense changes on protein structure and function are either unavailable or do not agree on the potential impact of this missense change (SIFT: "Deleterious"; PolyPhen-2: "Benign"; Align-GVGD: "Class C0"). In summary, the available evidence is currently insufficient to determine the role of this variant in disease. Therefore, it has been classified as a Variant of Uncertain Significance.

NM_001943.5(DSG2):c.551C>T (p.Thr184Ile)

Gene: DSG2 (desmoglein 2; plus strand). Cytogenetic location: 18q12.1.
Variant type: single nucleotide variant.
Coding change: c.551C>T on transcript NM_001943.5 (MANE Select); coding-DNA position 551, C replaced by T.
Protein change: p.Thr184Ile; replaces threonine 184 with isoleucine.
Molecular consequence: missense variant.
Genome position (GRCh38, 1-based): chr18:31,522,110, C>T. VCF-style: chr18-31522110-C-T. GRCh37 (hg19) VCF-style: chr18-29102073-C-T.
Other names: short protein forms T184I.
Identifiers: ClinVar variation 948099 (VCV000948099.8), dbSNP rs372605499, ClinGen allele CA049379.